The following is an entry in ClinVar:

NM_001365276.2(TNXB):c.5717G>T (p.Gly1906Val)

Gene: TNXB (tenascin XB; minus strand). Cytogenetic location: 6p21.33.
Variant type: single nucleotide variant.
Coding change: c.5717G>T on transcript NM_001365276.2 (MANE Select); coding-DNA position 5717, G replaced by T.
Protein change: p.Gly1906Val; replaces glycine 1906 with valine.
Molecular consequence: missense variant.
Genome position (GRCh38, 1-based): chr6:32,069,007, C>A on the plus strand (G>T on the coding strand, the complement: TNXB is on the minus strand). VCF-style: chr6-32069007-C-A. GRCh37 (hg19) VCF-style: chr6-32036784-C-A.
Other names: c.6458G>T, p.Gly2153Val (NM_001428335.1); c.5717G>T, p.Gly1906Val (NM_019105.8); short protein forms G1906V, G2153V.
Identifiers: ClinVar variation 5017299 (VCV005017299.1).

ClinVar aggregate classification (germline): Uncertain significance (1 of 4 stars; one submission).

Submission:

GeneDx
Classification: Uncertain significance. Last evaluated: 2026-03-25. Review status: criteria provided, single submitter. Criteria: GeneDx Variant Classification Process June 2021. Collection method: clinical testing. Allele origin: germline.
Comment: Not observed at significant frequency in large population cohorts (gnomAD); In silico analysis supports that this missense variant has a deleterious effect on protein structure/function; Has not been previously published as pathogenic or benign to our knowledge